The following is an entry in ClinVar:

NM_018943.3(TUBA8):c.1148C>T (p.Ala383Val)

Gene: TUBA8 (tubulin alpha 8; plus strand). Cytogenetic location: 22q11.21.
Variant type: single nucleotide variant.
Coding change: c.1148C>T on transcript NM_018943.3 (MANE Select); coding-DNA position 1148, C replaced by T.
Protein change: p.Ala383Val; replaces alanine 383 with valine.
Molecular consequence: missense variant.
Genome position (GRCh38, 1-based): chr22:18,130,934, C>T. VCF-style: chr22-18130934-C-T. GRCh37 (hg19) VCF-style: chr22-18613701-C-T.
Other names: c.950C>T, p.Ala317Val (NM_001193414.2); c.1148C>T (NM_018943.2); short protein forms A317V, A383V.
Identifiers: ClinVar variation 1373937 (VCV001373937.8), dbSNP rs1247552290, ClinGen allele CA410266846.
Genomic context (GRCh38, chr22:18,130,934, plus strand): 5'-TCCCCGGGGGAGACCTGGCCAAGGTGCAGCGGGCCGTCTGCATGCTCAGCAACACCACGG[C>T]CATTGCGGAGGCCTGGGCCCGCCTCGACCACAAGTTCGACCTCATGTACGCCAAGCGGGC-3'
Protein context (NP_061816.1, residues 373-393): RAVCMLSNTT[Ala383Val]IAEAWARLDH

ClinVar aggregate classification (germline): Uncertain significance. Review status: criteria provided, multiple submitters, no conflicts (2 of 4 stars). 2 submissions from 2 submitters: Uncertain significance (2). Last evaluated 2025-08-20.

Allele frequency attached by ClinVar (database versions not stated): gnomAD exomes below 0.00001; TOPMed 0.00001.
gnomAD v4.1: 2 of 1,614,192 alleles (0.00012%); highest among the groups gnomAD compares: Non-Finnish European, 0.00017%; no homozygotes.

Submissions (2):

Ambry Genetics
Classification: Uncertain significance. Last evaluated: 2025-08-20. Review status: criteria provided, single submitter. Criteria: Ambry Variant Classification Scheme 2023. Collection method: clinical testing. Allele origin: germline.

Labcorp Genetics (formerly Invitae), Labcorp
Classification: Uncertain significance. Last evaluated: 2021-02-11. Review status: criteria provided, single submitter. Criteria: Invitae Variant Classification Sherloc (09022015). Collection method: clinical testing. Allele origin: germline.
Comment: This sequence change replaces alanine with valine at codon 383 of the TUBA8 protein (p.Ala383Val). The alanine residue is highly conserved and there is a small physicochemical difference between alanine and valine. This variant is not present in population databases (ExAC no frequency). This variant has not been reported in the literature in individuals with TUBA8-related conditions. Algorithms developed to predict the effect of missense changes on protein structure and function are either unavailable or do not agree on the potential impact of this missense change (SIFT: "Deleterious"; PolyPhen-2: "Benign"; Align-GVGD: "Class C0"). Algorithms developed to predict the effect of sequence changes on RNA splicing suggest that this variant may create or strengthen a splice site, but this prediction has not been confirmed by published transcriptional studies. In summary, the available evidence is currently insufficient to determine the role of this variant in disease. Therefore, it has been classified as a Variant of Uncertain Significance.